The following is an entry in ClinVar:

ClinVar aggregate classification (germline): Uncertain significance (0 of 4 stars; one submission).

Conditions:
TANGO2-related disorder. Also called: TANGO2-related condition.

Allele frequency attached by ClinVar (database versions not stated): ExAC 0.00002; gnomAD exomes 0.00002; ESP Exome Variant Server 0.00008; TOPMed 0.00008; gnomAD 0.00009.
gnomAD v4.1: 59 of 1,591,052 alleles (0.0037%); highest among the groups gnomAD compares: African/African-American, 0.047%; 1 homozygote.

Submission:

PreventionGenetics, part of Exact Sciences
Classification: Uncertain significance for TANGO2-related condition. Last evaluated: 2023-11-21. Review status: no assertion criteria provided. Collection method: clinical testing. Allele origin: germline.
Comment: The TANGO2 c.860C>G variant is predicted to result in the amino acid substitution p.Pro287Arg. To our knowledge, this variant has not been reported in the literature. This variant is reported in 0.017% of alleles in individuals of African descent in gnomAD. At this time, the clinical significance of this variant is uncertain due to the absence of conclusive functional and genetic evidence.

NM_152906.7(TANGO2):c.710+27C>G

Gene: TANGO2 (transport and golgi organization 2 homolog; plus strand). Cytogenetic location: 22q11.21.
Variant type: single nucleotide variant.
Coding change: c.710+27C>G on transcript NM_152906.7 (MANE Select); 27 bases into the intron after coding-DNA position 710, C replaced by G.
Molecular consequence: intron variant. On other transcripts: missense variant (6).
Genome position (GRCh38, 1-based): chr22:20,063,469, C>G. VCF-style: chr22-20063469-C-G. GRCh37 (hg19) VCF-style: chr22-20050992-C-G.
Other names: c.860C>G, p.Pro287Arg (NM_001322141.2); c.737C>G, p.Pro246Arg (NM_001322142.2); c.635C>G, p.Pro212Arg (NM_001322146.2); c.443C>G, p.Pro148Arg (NM_001322150.2, NM_001322153.2, NM_001322155.2); c.710+27C>G (NM_001283106.3, NM_001283116.3); c.524+27C>G (NM_001322163.2, NM_001283179.3, NM_001322167.2 and 2 more transcripts); c.416+27C>G (NM_001322174.2, NM_001322172.2, NM_001322175.2 and 3 more transcripts); c.606+27C>G (NM_001322160.2); and 9 more; short protein forms P148R, P212R, P246R, P287R.
Identifiers: ClinVar variation 3047168 (VCV003047168.2), dbSNP rs113134789, ClinGen allele CA10106541.